The following is an entry in ClinVar:

NM_001040142.2(SCN2A):c.5485C>T (p.Leu1829Phe)

Gene: SCN2A (sodium voltage-gated channel alpha subunit 2; plus strand). Cytogenetic location: 2q24.3.
Variant type: single nucleotide variant.
Coding change: c.5485C>T on transcript NM_001040142.2 (MANE Select); coding-DNA position 5485, C replaced by T.
Protein change: p.Leu1829Phe; replaces leucine 1829 with phenylalanine.
Molecular consequence: missense variant.
Genome position (GRCh38, 1-based): chr2:165,389,291, C>T. VCF-style: chr2-165389291-C-T. GRCh37 (hg19) VCF-style: chr2-166245801-C-T.
Other names: c.5485C>T (NM_001040143.1); c.5485C>T, p.Leu1829Phe (NM_001040143.2, NM_001371246.1, NM_001371247.1 and 1 more transcripts); short protein forms L1829F.
Identifiers: ClinVar variation 523396 (VCV000523396.3), dbSNP rs1553463676, ClinGen allele CA349039117.
Genomic context (GRCh38, chr2:165,389,291, plus strand): 5'-GCGACCCAGTTTATAGAGTTTGCCAAACTTTCTGATTTTGCAGATGCCCTGGATCCTCCT[C>T]TTCTCATAGCAAAACCCAACAAAGTCCAGCTCATTGCCATGGATCTGCCCATGGTGAGTG-3'
Protein context (NP_001035232.1, residues 1819-1839): SDFADALDPP[Leu1829Phe]LIAKPNKVQL

ClinVar aggregate classification (germline): Conflicting classifications of pathogenicity. Review status: criteria provided, conflicting classifications (1 of 4 stars). 3 submissions from 3 submitters: Likely pathogenic (1); Uncertain significance (2). Last evaluated 2023-02-14.

Conditions:
Developmental and epileptic encephalopathy, 11 (DEE11). Also called: Early infantile epileptic encephalopathy 11. Identifiers: Orphanet 1934, MedGen C3150987, MONDO:0013388, OMIM 613721.
Seizure. Also called: Seizures. Identifiers: MedGen C0036572, HP:0001250.
SCN2A-related disorder. Also called: SCN2A-related disorders; SCN2A-related condition. Identifiers: MedGen CN382226, MONDO:1060245.

Submissions (3):

Neuberg Centre For Genomic Medicine, NCGM
Classification: Uncertain significance for Developmental and epileptic encephalopathy, 11. Last evaluated: 2023-02-14. Review status: criteria provided, single submitter. Criteria: ACMG Guidelines, 2015. Collection method: clinical testing. Allele origin: germline. Inheritance: Autosomal dominant inheritance. Affected: yes.
Comment: The missense c.5485C>T (p.Leu1829Phe) variant in SCN2A gene has been reported in heterozygous state in patients affected with Developmental and epileptic encephalopathy (Trump N et al. 2016). The p.Leu1829Phe variant is novel (not in any individuals) in gnomAD Exomes and 1000 Genomes. This variant has been reported to the ClinVar database as Uncertain Significance. The amino acid change p.Leu1829Phe in SCN2A is predicted as conserved by GERP++ and PhyloP across 100 vertebrates. The amino acid Leu at position 1829 is changed to a Phe changing protein sequence and it might alter its composition and physico-chemical properties. For these reasons, this variant has been classified as Variant of Uncertain Significance (VUS).

Centre for Mendelian Genomics, University Medical Centre Ljubljana
Classification: Uncertain significance for Seizure. Last evaluated: 2017-01-01. Review status: criteria provided, single submitter. Criteria: ACMG Guidelines, 2015. Collection method: clinical testing. Allele origin: unknown. Affected: yes.

Rady Children's Institute for Genomic Medicine, Rady Children's Hospital San Diego
Classification: Likely pathogenic for SCN2A-related disorders. Review status: criteria provided, single submitter. Criteria: ACMG Guidelines, 2015. Collection method: clinical testing. Allele origin: germline. Affected: yes.
Comment: This variant has been previously reported as de novo change in a patient with early infantile epileptic encephalopathy (PMID: 26993267, 32090326). The c.5485C>T (p.Leu1829Phe) variant is absent from the gnomAD population database and thus is presumed to be rare. Analysis of the parental samples was negative for the variant, indicating this variant likely occurred as a de novo event. Based on the available evidence, the c.5485C>T (p.Leu1829Phe) variant is classified as Likely Pathogenic.